The following is an entry in ClinVar:

NM_004369.4(COL6A3):c.4957G>T (p.Asp1653Tyr)

Gene: COL6A3 (collagen type VI alpha 3 chain; minus strand). Cytogenetic location: 2q37.3.
Variant type: single nucleotide variant.
Coding change: c.4957G>T on transcript NM_004369.4 (MANE Select); coding-DNA position 4957, G replaced by T.
Protein change: p.Asp1653Tyr; replaces aspartic acid 1653 with tyrosine.
Molecular consequence: missense variant.
Genome position (GRCh38, 1-based): chr2:237,367,230, C>A on the plus strand (G>T on the coding strand, the complement: COL6A3 is on the minus strand). VCF-style: chr2-237367230-C-A. GRCh37 (hg19) VCF-style: chr2-238275873-C-A.
Other names: c.3136G>T, p.Asp1046Tyr (NM_057166.5); c.4339G>T, p.Asp1447Tyr (NM_057167.4); short protein forms D1046Y, D1447Y, D1653Y.
Identifiers: ClinVar variation 1496001 (VCV001496001.14), dbSNP rs1574991130, ClinGen allele CA351189992.
Genomic context (GRCh38, chr2:237,367,230, plus strand): 5'-CATCTTCATAAACTGTGTCCACTATTTCAGACACAAAACGAAGCACTTCCTGGAAACTGT[C>A]CCTCCTGAAGTTGATGGAACCATCCAACAGGAACACAATGTCTGCTTTCTTCTTCTCTAG-3'
Protein context (NP_004360.2, residues 1643-1663): LLDGSINFRR[Asp1653Tyr]SFQEVLRFVS

ClinVar aggregate classification (germline): Uncertain significance. Review status: criteria provided, multiple submitters, no conflicts (2 of 4 stars). 2 submissions from 2 submitters: Uncertain significance (2). Last evaluated 2025-08-01.

Conditions:
Bethlem myopathy 1A. Also called: Bethlem myopathy 1; Bethlem Muscular Dystrophy; MYOPATHY, BENIGN CONGENITAL, WITH CONTRACTURES. Identifiers: Orphanet 610, MedGen CN029274, MONDO:0024530, OMIM 158810.

Allele frequency attached by ClinVar (database versions not stated): gnomAD exomes below 0.00001; TOPMed below 0.00001.

Submissions (2):

CeGaT Center for Human Genetics Tuebingen
Classification: Uncertain significance. Last evaluated: 2025-08-01. Review status: criteria provided, single submitter. Criteria: CeGaT Center For Human Genetics Tuebingen Variant Classification Criteria Version 2. Collection method: clinical testing. Allele origin: germline. Affected: yes. Observed: 1 variant allele.
Comment: COL6A3: PM2

Labcorp Genetics (formerly Invitae), Labcorp
Classification: Uncertain significance for Bethlem myopathy 1A. Last evaluated: 2022-10-07. Review status: criteria provided, single submitter. Criteria: Invitae Variant Classification Sherloc (09022015). Collection method: clinical testing. Allele origin: germline.
Comment: In summary, the available evidence is currently insufficient to determine the role of this variant in disease. Therefore, it has been classified as a Variant of Uncertain Significance. Algorithms developed to predict the effect of sequence changes on RNA splicing suggest that this variant may create or strengthen a splice site. Advanced modeling of protein sequence and biophysical properties (such as structural, functional, and spatial information, amino acid conservation, physicochemical variation, residue mobility, and thermodynamic stability) performed at Invitae indicates that this missense variant is not expected to disrupt COL6A3 protein function. ClinVar contains an entry for this variant (Variation ID: 1496001). This variant has not been reported in the literature in individuals affected with COL6A3-related conditions. This variant is not present in population databases (gnomAD no frequency). This sequence change replaces aspartic acid, which is acidic and polar, with tyrosine, which is neutral and polar, at codon 1653 of the COL6A3 protein (p.Asp1653Tyr).